The following is an entry in ClinVar:

ClinVar aggregate classification (germline): Uncertain significance. Review status: criteria provided, multiple submitters, no conflicts (2 of 4 stars). 2 submissions from 2 submitters: Uncertain significance (2). Last evaluated 2025-02-21.

Conditions:
Developmental and epileptic encephalopathy, 34 (DEE34). Also called: SLC12A5-Related Epilepsy of Infancy with Migrating Focal Seizures; Early infantile epileptic encephalopathy 34. Identifiers: Orphanet 293181, MedGen C4225257, MONDO:0014718, OMIM 616645.

Allele frequency attached by ClinVar (database versions not stated): gnomAD exomes below 0.00001 and 0.00001; ExAC 0.00001; gnomAD 0.00005 and 0.00006; TOPMed 0.00005.
gnomAD v4.1: 12 of 1,607,998 alleles (0.00075%); highest among the groups gnomAD compares: African/African-American, 0.012%; no homozygotes.

Submissions (2):

Ambry Genetics
Classification: Uncertain significance. Last evaluated: 2025-02-21. Review status: criteria provided, single submitter. Criteria: Ambry Variant Classification Scheme 2023. Collection method: clinical testing. Allele origin: germline.

Labcorp Genetics (formerly Invitae), Labcorp
Classification: Uncertain significance for Developmental and epileptic encephalopathy, 34. Last evaluated: 2022-07-08. Review status: criteria provided, single submitter. Criteria: Invitae Variant Classification Sherloc (09022015). Collection method: clinical testing. Allele origin: germline.
Comment: This sequence change replaces lysine, which is basic and polar, with arginine, which is basic and polar, at codon 737 of the SLC12A5 protein (p.Lys737Arg). This variant is present in population databases (rs774596447, gnomAD 0.01%). This variant has not been reported in the literature in individuals affected with SLC12A5-related conditions. ClinVar contains an entry for this variant (Variation ID: 1025283). Advanced modeling of protein sequence and biophysical properties (such as structural, functional, and spatial information, amino acid conservation, physicochemical variation, residue mobility, and thermodynamic stability) performed at Invitae indicates that this missense variant is not expected to disrupt SLC12A5 protein function. In summary, the available evidence is currently insufficient to determine the role of this variant in disease. Therefore, it has been classified as a Variant of Uncertain Significance.

NM_020708.5(SLC12A5):c.2210A>G (p.Lys737Arg)

Gene: SLC12A5 (solute carrier family 12 member 5; plus strand). Cytogenetic location: 20q13.12.
Variant type: single nucleotide variant.
Coding change: c.2210A>G on transcript NM_020708.5 (MANE Select); coding-DNA position 2210, A replaced by G.
Protein change: p.Lys737Arg; replaces lysine 737 with arginine.
Molecular consequence: missense variant.
Genome position (GRCh38, 1-based): chr20:46,051,703, A>G. VCF-style: chr20-46051703-A-G. GRCh37 (hg19) VCF-style: chr20-44680342-A-G.
Other names: c.2279A>G (NM_001134771.1); c.2279A>G, p.Lys760Arg (NM_001134771.2); short protein forms K737R, K760R.
Identifiers: ClinVar variation 1025283 (VCV001025283.7), dbSNP rs774596447, ClinGen allele CA9887555.